The following is an entry in ClinVar:

NM_001148.6(ANK2):c.5536T>C (p.Ser1846Pro)

Genes: ANK2 (ankyrin 2; plus strand), LOC126807136 (MED14-independent group 3 enhancer GRCh37_chr4:114274931-114276130; plus strand). Cytogenetic location: 4q26.
Variant type: single nucleotide variant.
Coding change: c.5536T>C on transcript NM_001148.6 (MANE Select); coding-DNA position 5536, T replaced by C.
Protein change: p.Ser1846Pro; replaces serine 1846 with proline.
Molecular consequence: missense variant. On other transcripts: intron variant (68).
Genome position (GRCh38, 1-based): chr4:113,354,154, T>C. VCF-style: chr4-113354154-T-C. GRCh37 (hg19) VCF-style: chr4-114275310-T-C.
Other names: c.5302T>C, p.Ser1768Pro (NM_001386142.1); c.1936T>C, p.Ser646Pro (NM_001386166.1); c.5677T>C, p.Ser1893Pro (NM_001386174.1); c.5653T>C, p.Ser1885Pro (NM_001386175.1); c.4411+3905T>C (NM_001386186.2, NM_001386148.2); c.4213+3905T>C (NM_001354269.3); c.4291+3905T>C (NM_001386187.2); c.4252+3905T>C (NM_001386147.1); and 35 more; short protein forms S1893P, S646P, S1846P, S1885P, S1768P.
Identifiers: ClinVar variation 3714907 (VCV003714907.2).

ClinVar aggregate classification (germline): Uncertain significance (1 of 4 stars; one submission).

Conditions:
Long QT syndrome (LQTS). Identifiers: MedGen C0023976, MeSH D008133, MONDO:0002442. Disease mechanism: loss of function. Inheritance: Various modes of inheritance.

gnomAD v4.1: 7 of 1,613,932 alleles (0.00043%); highest among the groups gnomAD compares: Non-Finnish European, 0.000085%; no homozygotes.

Submission:

Labcorp Genetics (formerly Invitae), Labcorp
Classification: Uncertain significance for Long QT syndrome. Last evaluated: 2024-08-06. Review status: criteria provided, single submitter. Criteria: Invitae Variant Classification Sherloc (09022015). Collection method: clinical testing. Allele origin: germline.
Comment: This sequence change replaces serine, which is neutral and polar, with proline, which is neutral and non-polar, at codon 1846 of the ANK2 protein (p.Ser1846Pro). This variant is present in population databases (rs765102163, gnomAD 0.0009%). This variant has not been reported in the literature in individuals affected with ANK2-related conditions. Advanced modeling of protein sequence and biophysical properties (such as structural, functional, and spatial information, amino acid conservation, physicochemical variation, residue mobility, and thermodynamic stability) performed at Invitae indicates that this missense variant is expected to disrupt ANK2 protein function with a positive predictive value of 80%. In summary, the available evidence is currently insufficient to determine the role of this variant in disease. Therefore, it has been classified as a Variant of Uncertain Significance.